The following continues an entry in ClinVar:

NM_000256.3(MYBPC3):c.2618C>A (p.Pro873His)

Gene: MYBPC3. ClinVar aggregate classification (germline): Uncertain significance. Uncertain significance (13).

Submissions 7 to 16 of 16:

Victorian Clinical Genetics Services, Murdoch Childrens Research Institute
Classification: Uncertain significance for Hypertrophic cardiomyopathy 4. Last evaluated: 2023-07-17. Review status: criteria provided, single submitter. Criteria: ACMG Guidelines, 2015. Collection method: clinical testing. Allele origin: germline. Affected: yes.
Comment: Based on the classification scheme VCGS_Germline_v1.3.4, this variant is classified as VUS-3A. Following criteria are met: 0102 - Loss of function is a known mechanism of disease in this gene and is associated with hypertrophic cardiomyopathy 4 (HCM; MIM#115197). (I) 0108 - This gene is associated with both recessive and dominant disease. Dominant inheritance is frequently reported in adult onset conditions, however recessive inheritance results in a more severe early onset phenotype (OMIM). (I) 0115 - Variants in this gene are known to have variable expressivity (PMID: 32841044). (I) 0200 - Variant is predicted to result in a missense amino acid change from proline to histidine. (I) 0251 - This variant is heterozygous. (I) 0304 - Variant is present in gnomAD (v2) <0.01 for a condition (13 heterozygotes, 1 homozygote). (SP) 0309 - An alternative amino acid change at the same position has been observed in gnomAD (v2) (13 heterozygotes, 0 homozygotes). (I) 0502 - Missense variant with conflicting in silico predictions and uninformative conservation. (I) 0600 - Variant is located in the annotated Fibronectin type III domain (DECIPHER). (I) 0708 - Other missense variants comparable to the one identified in this case have conflicting previous evidence for pathogenicity. The p.(Pro873Leu) variant has been reported multiple times as VUS in ClinVar and has been reported in individuals with HCM, DCM and LVNC (PMIDs: 33495597, 21551322, 27173948, 27600940). The p.(Pro873Gln) variant has been reported in one individual with HCM (PMID: 22267749). (I) 0809 - Previous evidence of pathogenicity for this variant is inconclusive. This variant has been reported in homozygous and compound heterozygous state in association with HCM (PMID: 12951062, 16199542, 25335496, 29663722) and in a heterozygous individual with DCM (PMID: 23349452). It has also been reported multiple times as VUS in ClinVar. (I) 0902 - This variant has moderate evidence for segregation with disease. This variant has been shown to segregate in one family with HCM, whereby individuals homozygous for the variant are affected and individuals heterozygous for the variant are unaffected (PMID: 29663722). (I) Legend: (SP) - Supporting pathogenic, (I) - Information, (SB) - Supporting benign

CHEO Genetics Diagnostic Laboratory, Children's Hospital of Eastern Ontario
Classification: Uncertain significance for Cardiomyopathy. Last evaluated: 2023-06-07. Review status: criteria provided, single submitter. Criteria: ACMG Guidelines, 2015. Collection method: clinical testing. Allele origin: germline.

Fulgent Genetics
Classification: Uncertain significance for Hypertrophic cardiomyopathy 4; Left ventricular noncompaction 10. Last evaluated: 2021-09-09. Review status: criteria provided, single submitter. Criteria: ACMG Guidelines, 2015. Collection method: clinical testing. Allele origin: unknown.

Ambry Genetics
Classification: Uncertain significance for Cardiovascular phenotype. Last evaluated: 2021-02-11. Review status: criteria provided, single submitter. Criteria: Ambry Variant Classification Scheme 2023. Collection method: clinical testing. Allele origin: germline.

ARUP Laboratories, Molecular Genetics and Genomics, ARUP Laboratories
Classification: Uncertain significance. Last evaluated: 2020-03-26. Review status: criteria provided, single submitter. Criteria: ARUP Molecular Germline Variant Investigation Process. Collection method: clinical testing. Allele origin: germline.
Comment: The MYBPC3 c.2618C>A; p.Pro873His variant (rs371401403) is reported in the literature in several homozygous individuals affected with hypertrophic cardiomyopathy (HCM), as well as unaffected heterozygous relatives (Kassem 2017, Kissopoulou 2018, Nanni 2003). In addition, this variant has been reported in a proband with dilated cardiomyopathy (van Spaendonck-Zwarts 2013), and in several other individuals with HCM that carried a second missense variant of uncertain clinical significance (Maron 2012). The p.Pro873His variant is found in the non-Finnish European population with an overall allele frequency of 0.01% (14/98008 alleles, including one homozygote) in the Genome Aggregation Database. The proline at codon 873 is highly conserved, and computational analyses (REVEL) predict that this variant is deleterious. Indeed, structural studies suggest the p.Pro873His variant leads to misfolding of the C7 domain (Nadvi 2016), although the clinical impact of this misfolding is not clear. Further, another amino acid substitution at this codon (p.Pro873Leu) has been reported in an individual with HCM, though it was not determined whether variant is disease-causing (Probst 2011). Due to limited and conflicting information, including an unclear pattern of inheritance, the clinical significance of the p.Pro873His variant is uncertain at this time. References: Kassem HS et al. A comparative study of mutation screening of sarcomeric genes (MYBPC3, MYH7, TNNT2) using single gene approach versus targeted gene panel next generation sequencing in a cohort of HCM patients in Egypt. Egypt J Med Hum Genet. 2017 Oct;18(4):381-387. Kissopoulou A et al. Homozygous missense MYBPC3 Pro873His mutation associated with increased risk for heart failure development in hypertrophic cardiomyopathy. ESC Heart Fail. 2018 Aug;5(4):716-723. Maron BJ et al. Double or compound sarcomere mutations in hypertrophic cardiomyopathy: a potential link to sudden death in the absence of conventional risk factors. Heart Rhythm. 2012 Jan;9(1):57-63. Nadvi NA et al. Clinically Linked Mutations in the Central Domains of Cardiac Myosin-Binding Protein C with Distinct Phenotypes Show Differential Structural Effects. Structure. 2016 Jan 5;24(1):105-115. Nanni L et al. Hypertrophic cardiomyopathy: two homozygous cases with "typical" hypertrophic cardiomyopathy and three new mutations in cases with progression to dilated cardiomyopathy. Biochem Biophys Res Commun. 2003 Sep 19;309(2):391-8. Probst S et al. Sarcomere gene mutations in isolated left ventricular noncompaction cardiomyopathy do not predict clinical phenotype. Circ Cardiovasc Genet. 2011 Aug 1;4(4):367-74. van Spaendonck-Zwarts KY et al. Genetic analysis in 418 index patients with idiopathic dilated cardiomyopathy: overview of 10 years' experience. Eur J Heart Fail. 2013 Jun;15(6):628-36.

Laboratory for Molecular Medicine, Mass General Brigham Personalized Medicine
Classification: Uncertain significance. Last evaluated: 2018-11-05. Review status: criteria provided, single submitter. Criteria: LMM Criteria. Collection method: clinical testing. Allele origin: germline. Observed: 6 variant alleles.
Comment: The p.Pro873His variant in MYBPC3 has been reported in the heterozygous state in 2 individuals with HCM and 2 individuals with DCM (Ingles 2005, Maron 2012, van Spaendonck-Zwarts 2013, LMM data). It segregated with DCM or HCM in 4 affected individuals from 1 family (LMM data). It has also been identified in the homozyg ous state in an individual with HCM with no reported family history of disease ( Nanni 2003) and in an additional individual with severe HCM whose brother was al so homozygous for the variant and had mild symptoms (Kissopoulou 2018). Several reportedly unaffected family members (ages 10-54) were heterozygous for the vari ant (Kissopoulou 2018). This variant has also been reported by other clinical la boratories in ClinVar (Variation ID: 30143) and has also been identified in 0.01 % (14/98008) European chromosomes, including 1 homozygote, by gnomAD. Computational prediction tools and conservation analys is suggest that the p.Pro873His variant may impact the protein. In summary, due to conflicting evidence, the clinical significance of the p.Pro873His variant is uncertain. ACMG/AMP Criteria applied: PP1, PP3, PS4_Supporting, BS1_Supporting.

Stanford Center for Inherited Cardiovascular Disease, Stanford University
Classification: Uncertain significance. Last evaluated: 2015-09-08. Review status: criteria provided, single submitter. Criteria: ACMG Guidelines, 2015. Collection method: provider interpretation. Allele origin: germline.

Agnes Ginges Centre for Molecular Cardiology, Centenary Institute
Classification: Uncertain significance for Hypertrophic cardiomyopathy. Last evaluated: 2020-02-20. Review status: no assertion criteria provided. Collection method: research. Allele origin: germline. Inheritance: Autosomal dominant inheritance. Affected: yes. Not counted in ClinVar's aggregate classification.
Comment: The MYBPC3 Pro873His variant is present in the Genome Aggregation Database at an allele frequency of 0.00014 which is higher then expected for HCM. In addition, this variant has been identified in one HCM individual who was homozygous for the variant (Nanni L., et al 2003) and has also been identified in one DCM patient (Spaendonck-Zwarts K., et al 2013). Predictions from in silico tools (SIFT, PolyPhen-2, MutationTaster) are supportive of a deleterious effect. However, due to co-occurrence in our proband with an additional MYBPC3 variant, limited familial data, and insufficient evidence, we classify this MYBPC3 Pro873His variant as one of "uncertain significance".

CSER _CC_NCGL, University of Washington
Classification: Uncertain significance for Cardiomyopathy, hypertrophic. Last evaluated: 2014-06-01. Review status: no assertion criteria provided. Collection method: research. Allele origin: germline. Inheritance: Autosomal dominant inheritance. Study: ESP 6500 variant annotation. Not counted in ClinVar's aggregate classification.
Comment: Variants classified for the Actionable exomic incidental findings in 6503 participants: challenges of variant classification manuscript

OMIM
Classification: Pathogenic for CARDIOMYOPATHY, FAMILIAL HYPERTROPHIC, 4. Last evaluated: 2005-10-01. Review status: no assertion criteria provided. Collection method: literature only. Allele origin: germline. Not counted in ClinVar's aggregate classification.

Literature cited by the submitters: PubMed 12951062 (cited by 7 submitters); PubMed 29663722 (cited by 6 submitters); PubMed 36252119 (cited by Labcorp Genetics (formerly Invitae), Labcorp and Color Diagnostics, LLC DBA Color Health); PubMed 37652022 (cited by Labcorp Genetics (formerly Invitae), Labcorp and Color Diagnostics, LLC DBA Color Health); PubMed 26688216 (cited by 5 submitters); PubMed 23349452 (cited by 6 submitters); PubMed 33495597 (cited by Color Diagnostics, LLC DBA Color Health and Victorian Clinical Genetics Services, Murdoch Childrens Research Institute); PubMed 35653365 (cited by Color Diagnostics, LLC DBA Color Health and Women's Health and Genetics/Laboratory Corporation of America, LabCorp); PubMed 23299917 (cited by Women's Health and Genetics/Laboratory Corporation of America, LabCorp and Laboratory for Molecular Medicine, Mass General Brigham Personalized Medicine); PubMed 25637381 (cited by Women's Health and Genetics/Laboratory Corporation of America, LabCorp and Laboratory for Molecular Medicine, Mass General Brigham Personalized Medicine); PubMed 16199542 (cited by 5 submitters); PubMed 21839045 (cited by All of Us Research Program, National Institutes of Health and Laboratory for Molecular Medicine, Mass General Brigham Personalized Medicine); PubMed 21551322 (cited by Victorian Clinical Genetics Services, Murdoch Childrens Research Institute); PubMed 22267749 (cited by Victorian Clinical Genetics Services, Murdoch Childrens Research Institute); PubMed 25335496 (cited by Victorian Clinical Genetics Services, Murdoch Childrens Research Institute and Laboratory for Molecular Medicine, Mass General Brigham Personalized Medicine); PubMed 27173948 (cited by Victorian Clinical Genetics Services, Murdoch Childrens Research Institute); PubMed 27600940 (cited by Victorian Clinical Genetics Services, Murdoch Childrens Research Institute); PubMed 32841044 (cited by Victorian Clinical Genetics Services, Murdoch Childrens Research Institute); PubMed 25351510 (cited by Agnes Ginges Centre for Molecular Cardiology, Centenary Institute).